The following is an entry in ClinVar:

ClinVar aggregate classification (germline): Uncertain significance. Review status: criteria provided, multiple submitters, no conflicts (2 of 4 stars). 2 submissions from 2 submitters: Uncertain significance (2). Last evaluated 2025-10-25.

Conditions:
Marfan syndrome (MFS). Also called: MARFAN SYNDROME, TYPE I; Marfan syndrome type 1; Marfan's syndrome; Marfan syndrome, classic; FBN1-Related Marfan Syndrome. Identifiers: Orphanet 284963, Orphanet 558, MedGen C0024796, MONDO:0007947, OMIM 154700.
Familial thoracic aortic aneurysm and aortic dissection (TAAD). Also called: Thoracic aortic aneurysms and dissections. Identifiers: Orphanet 91387, MedGen C4707243, MONDO:0019625.

Submissions (2):

Labcorp Genetics (formerly Invitae), Labcorp
Classification: Uncertain significance for Marfan syndrome; Familial thoracic aortic aneurysm and aortic dissection. Last evaluated: 2025-10-25. Review status: criteria provided, single submitter. Criteria: Invitae Variant Classification Sherloc (09022015). Collection method: clinical testing. Allele origin: germline.
Comment: This sequence change replaces asparagine, which is neutral and polar, with serine, which is neutral and polar, at codon 2354 of the FBN1 protein (p.Asn2354Ser). This variant is not present in population databases (gnomAD no frequency). This variant has not been reported in the literature in individuals affected with FBN1-related conditions. ClinVar contains an entry for this variant (Variation ID: 3071836). Invitae Evidence Modeling of protein sequence and biophysical properties (such as structural, functional, and spatial information, amino acid conservation, physicochemical variation, residue mobility, and thermodynamic stability) indicates that this missense variant is not expected to disrupt FBN1 protein function with a negative predictive value of 95%. In summary, the available evidence is currently insufficient to determine the role of this variant in disease. Therefore, it has been classified as a Variant of Uncertain Significance.

All of Us Research Program, National Institutes of Health
Classification: Uncertain significance for Marfan syndrome. Last evaluated: 2023-06-26. Review status: criteria provided, single submitter. Criteria: ACMG Guidelines, 2015. Collection method: clinical testing. Allele origin: germline. Inheritance: Autosomal dominant inheritance. Observed: 1 variant allele, 1 heterozygote.
Comment: This missense variant replaces asparagine with serine at codon 2354 of the FBN1 protein. Computational prediction suggests that this variant may not impact protein structure and function (internally defined REVEL score threshold <= 0.5, PMID: 27666373). To our knowledge, functional studies have not been reported for this variant. This variant has not been reported in individuals affected with FBN1-related disorders in the literature. This variant has not been identified in the general population by the Genome Aggregation Database (gnomAD). The available evidence is insufficient to determine the role of this variant in disease conclusively. Therefore, this variant is classified as a Variant of Uncertain Significance.

This study involves interpretation of variants in research participants for the purpose of population health screening. Participant phenotype was not available at the time of variant classification. Additional details can be found in publication PMID: 35346344, PMCID: PMC8962531

NM_000138.5(FBN1):c.7061A>G (p.Asn2354Ser)

Gene: FBN1 (fibrillin 1; minus strand). Cytogenetic location: 15q21.1.
Variant type: single nucleotide variant.
Coding change: c.7061A>G on transcript NM_000138.5 (MANE Select); coding-DNA position 7061, A replaced by G.
Protein change: p.Asn2354Ser; replaces asparagine 2354 with serine.
Molecular consequence: missense variant.
Genome position (GRCh38, 1-based): chr15:48,427,710, T>C on the plus strand (A>G on the coding strand, the complement: FBN1 is on the minus strand). VCF-style: chr15-48427710-T-C. GRCh37 (hg19) VCF-style: chr15-48719907-T-C.
Other names: c.7061A>G, p.Asn2354Ser (NM_001406716.1); short protein forms N2354S.
Identifiers: ClinVar variation 3071836 (VCV003071836.2), dbSNP rs2505412585, ClinGen allele CA392330120.
Genomic context (GRCh38, chr15:48,427,710, plus strand): 5'-TGGGGACCCCAGCCTCTCCCTCCGTCACAGCAGCATTCCGATTTGGTGACGGGGTTCCTG[T>C]TGCTGGAGCCGATCTGACACATGTTTTGTAGCACCTCTGTGAAGCAGTACCCTTCCCGAT-3'
Protein context (NP_000129.3, residues 2344-2364): LQNMCQIGSS[Asn2354Ser]RNPVTKSECC